The following is an entry in ClinVar:

NM_144687.4(NLRP12):c.2754G>A (p.Leu918=)

Gene: NLRP12 (NLR family pyrin domain containing 12; minus strand). Cytogenetic location: 19q13.42.
Variant type: single nucleotide variant.
Coding change: c.2754G>A on transcript NM_144687.4 (MANE Select); coding-DNA position 2754, G replaced by A.
Protein change: p.Leu918=; no amino-acid change (leucine 918 retained).
Molecular consequence: synonymous variant.
Genome position (GRCh38, 1-based): chr19:53,801,229, C>T on the plus strand (G>A on the coding strand, the complement: NLRP12 is on the minus strand). VCF-style: chr19-53801229-C-T. GRCh37 (hg19) VCF-style: chr19-54304483-C-T.
Other names: c.2757G>A, p.Leu919= (NM_001277126.2); c.2754G>A, p.Leu918= (NM_001277129.1).
Identifiers: ClinVar variation 1566788 (VCV001566788.8), dbSNP rs61741347, ClinGen allele CA508772292.
Genomic context (GRCh38, chr19:53,801,229, plus strand): 5'-TGAGAGGGCTGCGTTCATGGATTGGGACTCCTAGCGTGGTGAGCAAAACGGGACTCACCG[C>T]AGGGTCTGGAGCTTGCACGTGGGATGCCTGAGGCCCTCACACAGCAGCAGCACCCCGAGG-3'
Protein context (NP_653288.1, residues 908-928): LRHPTCKLQT[Leu918=]RLGICRLGSA

ClinVar aggregate classification (germline): Conflicting classifications of pathogenicity. Review status: criteria provided, conflicting classifications (1 of 4 stars). 2 submissions from 2 submitters: Uncertain significance (1); Likely benign (1). Last evaluated 2025-07-14.

Conditions:
Familial cold autoinflammatory syndrome 2 (FCAS2). Identifiers: Orphanet 247868, MedGen C2673198, MONDO:0012724, OMIM 611762.

gnomAD v4.1: 3 of 1,613,836 alleles (0.00019%); highest among the groups gnomAD compares: Admixed American, 0.0033%; no homozygotes.

Submissions (2):

Labcorp Genetics (formerly Invitae), Labcorp
Classification: Likely benign for Familial cold autoinflammatory syndrome 2. Last evaluated: 2025-07-14. Review status: criteria provided, single submitter. Criteria: Invitae Variant Classification Sherloc (09022015). Collection method: clinical testing. Allele origin: germline.

ARUP Laboratories, Molecular Genetics and Genomics, ARUP Laboratories
Classification: Uncertain significance for Familial cold autoinflammatory syndrome 2. Last evaluated: 2023-11-08. Review status: criteria provided, single submitter. Criteria: ARUP Molecular Germline Variant Investigation Process 2024. Collection method: clinical testing. Allele origin: germline.
Comment: The NLRP12 c.2754G>A; p.Leu918= variant (rs61741347), to our knowledge, is not reported in the medical literature but is reported in ClinVar (Variation ID: 1566788). This variant is absent from the Genome Aggregation Database, indicating it is not a common polymorphism. This is a synonymous variant and computational analyses (Alamut Visual Plus v.1.5.1) predict that this variant does not alter splicing. However, since this variant is located within the minimal splice region, the clinical significance of this variant is uncertain at this time.